The following is an entry in ClinVar:

ClinVar aggregate classification (germline): Uncertain significance. Review status: criteria provided, multiple submitters, no conflicts (2 of 4 stars). 2 submissions from 2 submitters: Uncertain significance (2). Last evaluated 2022-01-11.

Conditions:
Hereditary cancer-predisposing syndrome. Also called: Hereditary Cancer Syndrome; Neoplastic Syndromes, Hereditary; Tumor predisposition; Hereditary neoplastic syndrome. Identifiers: Orphanet 140162, MedGen C0027672, MeSH D009386, MONDO:0015356.
Familial adenomatous polyposis 1 (FAP1). Also called: POLYPOSIS, ADENOMATOUS INTESTINAL; FAMILIAL ADENOMATOUS POLYPOSIS 1, ATTENUATED. Identifiers: MedGen C2713442, MONDO:0021056, OMIM 175100. Disease mechanism: loss of function.

Submissions (2):

Ambry Genetics
Classification: Uncertain significance for Hereditary cancer-predisposing syndrome. Last evaluated: 2022-01-11. Review status: criteria provided, single submitter. Criteria: Ambry Variant Classification Scheme 2023. Collection method: clinical testing. Allele origin: germline.
Comment: The p.W2101R variant (also known as c.6301T>C), located in coding exon 15 of the APC gene, results from a T to C substitution at nucleotide position 6301. The tryptophan at codon 2101 is replaced by arginine, an amino acid with dissimilar properties. This amino acid position is conserved. In addition, in silico predictors for this gene do not accurately predict pathogenicity. Since supporting evidence is limited at this time, the clinical significance of this alteration remains unclear.

Labcorp Genetics (formerly Invitae), Labcorp
Classification: Uncertain significance for Familial adenomatous polyposis 1. Last evaluated: 2020-10-15. Review status: criteria provided, single submitter. Criteria: Invitae Variant Classification Sherloc (09022015). Collection method: clinical testing. Allele origin: germline.
Comment: This variant has not been reported in the literature in individuals with APC-related conditions. This sequence change replaces tryptophan with arginine at codon 2101 of the APC protein (p.Trp2101Arg). The tryptophan residue is highly conserved and there is a moderate physicochemical difference between tryptophan and arginine. This variant is not present in population databases (ExAC no frequency). Algorithms developed to predict the effect of missense changes on protein structure and function are either unavailable or do not agree on the potential impact of this missense change (SIFT: "Tolerated"; PolyPhen-2: "Probably Damaging"; Align-GVGD: "Class C0"). In summary, the available evidence is currently insufficient to determine the role of this variant in disease. Therefore, it has been classified as a Variant of Uncertain Significance.

NM_000038.6(APC):c.6301T>C (p.Trp2101Arg)

Gene: APC (APC regulator of Wnt signaling pathway; plus strand). Cytogenetic location: 5q22.2.
Variant type: single nucleotide variant.
Coding change: c.6301T>C on transcript NM_000038.6 (MANE Select); coding-DNA position 6301, T replaced by C.
Protein change: p.Trp2101Arg; replaces tryptophan 2101 with arginine.
Molecular consequence: missense variant.
Genome position (GRCh38, 1-based): chr5:112,841,895, T>C. VCF-style: chr5-112841895-T-C. GRCh37 (hg19) VCF-style: chr5-112177592-T-C.
Other names: c.6301T>C, p.Trp2101Arg (NM_001127510.3, NM_001354895.2); c.6247T>C, p.Trp2083Arg (NM_001127511.3); c.6355T>C, p.Trp2119Arg (NM_001354896.2); c.6331T>C, p.Trp2111Arg (NM_001354897.2); c.6226T>C, p.Trp2076Arg (NM_001354898.2); c.6217T>C, p.Trp2073Arg (NM_001354899.2); c.6178T>C, p.Trp2060Arg (NM_001354900.2); c.6124T>C, p.Trp2042Arg (NM_001354901.2); and 5 more; short protein forms W1818R, W1941R, W1975R, W2000R, W2010R, W2042R, W2060R, W2073R.
Identifiers: ClinVar variation 1020898 (VCV001020898.12), dbSNP rs1766184458, ClinGen allele CA16035130.